The following is an entry in ClinVar:

NM_014244.5(ADAMTS2):c.106_107delinsTATAAGAGACAGT (p.Asn36fs)

Gene: ADAMTS2 (ADAM metallopeptidase with thrombospondin type 1 motif 2; minus strand). Cytogenetic location: 5q35.3.
Variant type: Indel.
Coding change: c.106_107delinsTATAAGAGACAGT on transcript NM_014244.5 (MANE Select); coding-DNA positions 106 to 107, AA replaced by TATAAGAGACAGT.
Protein change: p.Asn36fs; shifts the reading frame from asparagine 36.
Molecular consequence: frameshift variant.
Genome position (GRCh38, 1-based): chr5:179,345,222-179,345,223, TT replaced by ACTGTCTCTTATA on the plus strand (AA replaced by TATAAGAGACAGT on the coding strand, the reverse complement: ADAMTS2 is on the minus strand). VCF-style: chr5-179345222-TT-ACTGTCTCTTATA. GRCh37 (hg19) VCF-style: chr5-178772223-TT-ACTGTCTCTTATA.
Other names: c.106_107delinsTATAAGAGACAGT, p.Asn36fs (NM_021599.4); short protein forms N36fs.
Identifiers: ClinVar variation 5010778 (VCV005010778.1).

ClinVar aggregate classification (germline): Pathogenic (1 of 4 stars; one submission).

Conditions:
Ehlers-Danlos syndrome, dermatosparaxis type. Also called: EDS VIIC; Dermatosparaxis; Ehlers-Danlos syndrome, type VII, autosomal recessive. Identifiers: Orphanet 1901, MedGen C2700425, MONDO:0009161, OMIM 225410.

Submission:

Myriad Genetics, Inc.
Classification: Pathogenic for Ehlers-Danlos syndrome, dermatosparaxis type. Last evaluated: 2024-05-14. Review status: criteria provided, single submitter. Criteria: Myriad Autosomal Dominant, Autosomal Recessive and X-Linked Classification Criteria (2023). Collection method: clinical testing. Allele origin: unknown.
Comment: NM_014244.4(ADAMTS2):c.106_107del2ins13(N36Yfs*133) is expected to be pathogenic in the context of Ehlers-Danlos syndrome, ADAMTS2-related. This variant is predicted to lead to an abnormal or absent protein product due to the creation of a premature termination codon in ADAMTS2, a gene where loss-of-function variants are known to be pathogenic. Please note: this variant was assessed in the context of healthy population screening.